The following is an entry in ClinVar:

ClinVar aggregate classification (germline): Likely benign. Review status: criteria provided, single submitter (1 of 4 stars). 2 submissions from 2 submitters: Likely benign (1). 1 of the submissions does not count toward it. Last evaluated 2026-01-21.

Conditions:
Lower motor neuron syndrome with late-adult onset (SMAJ). Also called: Spinal muscular atrophy, Jokela type; Late-Onset Spinal Motor Neuronopathy (SMAJ). Identifiers: Orphanet 276435, MedGen C3554398, MONDO:0014025, OMIM 615048.
Autosomal dominant mitochondrial myopathy with exercise intolerance (IMMD). Also called: Myopathy, isolated mitochondrial, autosomal dominant. Identifiers: Orphanet 457050, MedGen C4015513, MONDO:0014532, OMIM 616209.
Frontotemporal dementia and/or amyotrophic lateral sclerosis 2. Also called: FTDALS2. Identifiers: Orphanet 275872, MedGen C4014648, MONDO:0014395, OMIM 615911.
CHCHD10-related disorder. Also called: CHCHD10-related condition; CHCHD10-Related Disorders. Identifiers: MedGen CN381526.

Allele frequency attached by ClinVar (database versions not stated): 1000 Genomes Project 0.00020; gnomAD 0.00001; gnomAD exomes 0.00004; 1000 Genomes Project 30x 0.00016; ExAC 0.00004.
gnomAD v4.1: 29 of 1,582,220 alleles (0.0018%); highest among the groups gnomAD compares: South Asian, 0.0092%; no homozygotes.

Submissions (2):

Labcorp Genetics (formerly Invitae), Labcorp
Classification: Likely benign for Lower motor neuron syndrome with late-adult onset; Frontotemporal dementia and/or amyotrophic lateral sclerosis 2; Autosomal dominant mitochondrial myopathy with exercise intolerance. Last evaluated: 2026-01-21. Review status: criteria provided, single submitter. Criteria: Invitae Variant Classification Sherloc (09022015). Collection method: clinical testing. Allele origin: germline.

PreventionGenetics, part of Exact Sciences
Classification: Likely benign for CHCHD10-related condition. Last evaluated: 2019-07-11. Review status: no assertion criteria provided. Collection method: clinical testing. Allele origin: germline. Not counted in ClinVar's aggregate classification.
Comment: This variant is classified as likely benign based on ACMG/AMP sequence variant interpretation guidelines (Richards et al. 2015 PMID: 25741868, with internal and published modifications).

NM_213720.3(CHCHD10):c.306C>T (p.Cys102=)

Gene: CHCHD10 (coiled-coil-helix-coiled-coil-helix domain containing 10; minus strand). Cytogenetic location: 22q11.23.
Variant type: single nucleotide variant.
Coding change: c.306C>T on transcript NM_213720.3 (MANE Select); coding-DNA position 306, C replaced by T.
Protein change: p.Cys102=; no amino-acid change (cysteine 102 retained).
Molecular consequence: synonymous variant. On other transcripts: non-coding transcript variant (2).
Genome position (GRCh38, 1-based): chr22:23,766,231, G>A on the plus strand (C>T on the coding strand, the complement: CHCHD10 is on the minus strand). VCF-style: chr22-23766231-G-A. GRCh37 (hg19) VCF-style: chr22-24108418-G-A.
Other names: c.327C>T, p.Cys109= (NM_001301339.2); c.306C>T (NM_213720.2).
Identifiers: ClinVar variation 1131484 (VCV001131484.10), dbSNP rs527737360, ClinGen allele CA10145264.